The following is an entry in ClinVar:

ClinVar aggregate classification (germline): Uncertain significance (1 of 4 stars; one submission).

Conditions:
Hereditary sensory and autonomic neuropathy type 6. Also called: HSAN VI; Neuropathy, hereditary sensory and autonomic, type VI. Identifiers: Orphanet 314381, MedGen C3539003, MONDO:0013839, OMIM 614653.
Epidermolysis bullosa simplex 3, localized or generalized intermediate, with BP230 deficiency (EBS3). Also called: Epidermolysis bullosa simplex due to BP230 deficiency; Epidermolysis bullosa simplex, autosomal recessive 2. Identifiers: Orphanet 412181, MedGen C3809470, MONDO:0014180, OMIM 615425.

Allele frequency attached by ClinVar (database versions not stated): ExAC 0.00001; gnomAD exomes 0.00001.
gnomAD v4.1: 12 of 1,612,550 alleles (0.00074%); highest among the groups gnomAD compares: Admixed American, 0.0017%; no homozygotes.

Submission:

Labcorp Genetics (formerly Invitae), Labcorp
Classification: Uncertain significance for Epidermolysis bullosa simplex 3, localized or generalized intermediate, with BP230 deficiency; Hereditary sensory and autonomic neuropathy type 6. Last evaluated: 2024-04-16. Review status: criteria provided, single submitter. Criteria: Invitae Variant Classification Sherloc (09022015). Collection method: clinical testing. Allele origin: germline.
Comment: The DST gene has multiple clinically relevant transcripts. This variant occurs in alternate transcript NM_015548.4, and corresponds to NM_001723.5:c.*47000A>G in the primary transcript. This sequence change replaces isoleucine, which is neutral and non-polar, with valine, which is neutral and non-polar, at codon 2030 of the DST protein (p.Ile2030Val). This variant is present in population databases (rs755211581, gnomAD 0.02%). This variant has not been reported in the literature in individuals affected with DST-related conditions. Experimental studies and prediction algorithms are not available or were not evaluated, and the functional significance of this variant is currently unknown. In summary, the available evidence is currently insufficient to determine the role of this variant in disease. Therefore, it has been classified as a Variant of Uncertain Significance.

NM_001374736.1(DST):c.13957A>G (p.Ile4653Val)

Gene: DST (dystonin; minus strand). Cytogenetic location: 6p12.1.
Variant type: single nucleotide variant.
Coding change: c.13957A>G on transcript NM_001374736.1 (MANE Select); coding-DNA position 13957, A replaced by G.
Protein change: p.Ile4653Val; replaces isoleucine 4653 with valine.
Molecular consequence: missense variant.
Genome position (GRCh38, 1-based): chr6:56,568,517, T>C on the plus strand (A>G on the coding strand, the complement: DST is on the minus strand). VCF-style: chr6-56568517-T-C. GRCh37 (hg19) VCF-style: chr6-56433315-T-C.
Other names: c.7600A>G, p.Ile2534Val (NM_001144769.5); c.7186A>G, p.Ile2396Val (NM_001144770.2); c.13957A>G, p.Ile4653Val (NM_001374722.1); c.13324A>G, p.Ile4442Val (NM_001374729.1); c.7066A>G, p.Ile2356Val (NM_001374730.1, NM_001386100.1, NM_183380.4); c.13984A>G, p.Ile4662Val (NM_001374734.1); c.6088A>G, p.Ile2030Val (NM_015548.5); short protein forms I4653V, I2396V, I4442V, I2356V, I2030V, I2534V, I4662V.
Identifiers: ClinVar variation 2153781 (VCV002153781.4), dbSNP rs755211581, ClinGen allele CA3868134.